The following is an entry in ClinVar:

NM_001042492.3(NF1):c.7669C>T (p.Gln2557Ter)

Gene: NF1 (neurofibromin 1; plus strand). Cytogenetic location: 17q11.2.
Variant type: single nucleotide variant.
Coding change: c.7669C>T on transcript NM_001042492.3 (MANE Select); coding-DNA position 7669, C replaced by T.
Protein change: p.Gln2557Ter; replaces glutamine 2557 with a stop codon.
Molecular consequence: nonsense.
Genome position (GRCh38, 1-based): chr17:31,356,513, C>T. VCF-style: chr17-31356513-C-T. GRCh37 (hg19) VCF-style: chr17-29683531-C-T.
Other names: c.7606C>T, p.Gln2536Ter (NM_000267.4); short protein forms Q2536*, Q2557*.
Identifiers: ClinVar variation 4530426 (VCV004530426.1).

ClinVar aggregate classification (somatic clinical impact): Tier II - Potential (1 of 4 stars; one submission).

Conditions:
Diffuse astrocytoma, MYB- or MYBL1-altered. Identifiers: MedGen CN372174, MONDO:0859615.

Submission:

Institute for Genomic Medicine (IGM) Clinical Laboratory, Nationwide Children's Hospital
Classification: Tier II - Potential for Diffuse astrocytoma, MYB- or MYBL1-altered. Assertion type: diagnostic. Clinical significance: supports diagnosis. Last evaluated: 2025-10-02. Review status: criteria provided, single submitter. Criteria: AMP/ASCO/CAP Guidelines, 2017. Collection method: clinical testing. Allele origin: somatic. Affected: yes.
Comment: Variant has Tier II (potential) clinical significance as a diagnostic inclusion criterion in diffuse astrocytoma, MYB- or MYBL1-altered, based on the following evidence: 1) Documented in one or more cancer databases (e.g., St. Jude Pecan, COSMIC, CIViC, OncoKB). 2) Information in the literature supports potential biologic effect of variant (PMIDs: 19573811, 24576830, 8563751, 7542586, 8052307, 12509763). 3) Diagnostic significance based on multiple small studies (Evidence Level C; PMIDs: 38195220, 34185076, 23222849, 1568247, 28912153, 32055852, 27263935, 22155606).

Literature cited by the submitters: PubMed 19573811; PubMed 24576830; PubMed 8563751; PubMed 7542586; PubMed 8052307; PubMed 12509763; PubMed 38195220; PubMed 34185076; PubMed 23222849; PubMed 1568247; PubMed 28912153; PubMed 32055852; PubMed 27263935; PubMed 22155606.